The following is an entry in ClinVar:

ClinVar aggregate classification (germline): Likely benign (1 of 4 stars; one submission).

Conditions:
Hereditary breast ovarian cancer syndrome. Also called: Hereditary breast and ovarian cancer; Hereditary breast and ovarian cancer syndrome (HBOC); Breast and ovarian cancer; Hereditary breast and/or ovarian cancer syndrome; BRCA1- and BRCA2-Associated Hereditary Breast and Ovarian Cancer; Hereditary breast and ovarian cancer syndrome. Identifiers: Orphanet 145, MedGen C0677776, MeSH D061325, MONDO:0003582. Disease mechanism: loss of function.

Submissions (2):

Labcorp Genetics (formerly Invitae), Labcorp
Classification: Likely benign for Hereditary breast ovarian cancer syndrome. Last evaluated: 2025-05-23. Review status: criteria provided, single submitter. Criteria: Invitae Variant Classification Sherloc (09022015). Collection method: clinical testing. Allele origin: germline.

Brotman Baty Institute, University of Washington
No classification provided (evidence only). Condition: Breast-ovarian cancer, familial 1. Review status: no classification provided. Collection method: in vitro. Allele origin: not applicable. Functional consequence: functionally_normal. Not counted in ClinVar's aggregate classification.
ClinVar note: "not provided" was previously submitted as the classification for the variant. However, the classification appeared to be based only on an observation of functional data so it was converted to no classification on 2025-07-30.

NM_007294.4(BRCA1):c.5040T>A (p.Ile1680=)

Gene: BRCA1 (BRCA1 DNA repair associated; minus strand). Cytogenetic location: 17q21.31.
Variant type: single nucleotide variant.
Coding change: c.5040T>A on transcript NM_007294.4 (MANE Select); coding-DNA position 5040, T replaced by A.
Protein change: p.Ile1680=; no amino-acid change (isoleucine 1680 retained).
Molecular consequence: synonymous variant. On other transcripts: intron variant (1).
Genome position (GRCh38, 1-based): chr17:43,067,642, A>T on the plus strand (T>A on the coding strand, the complement: BRCA1 is on the minus strand). VCF-style: chr17-43067642-A-T. GRCh37 (hg19) VCF-style: chr17-41219659-A-T.
Other names: c.1725T>A, p.Ile575= (NM_001408402.1, NM_001408403.1, NM_001408404.1 and 8 more transcripts); c.1722T>A, p.Ile574= (NM_001408406.1, NM_001408407.1, NM_001408408.1); c.1719T>A, p.Ile573= (NM_001408409.1); c.1656T>A, p.Ile552= (NM_001408410.1); c.1653T>A, p.Ile551= (NM_001408411.1); c.1650T>A, p.Ile550= (NM_001408412.1, NM_001408413.1, NM_001408414.1 and 2 more transcripts); c.1614T>A, p.Ile538= (NM_001408418.1, NM_001408419.1, NM_001408420.1); c.1611T>A, p.Ile537= (NM_001408421.1, NM_001408422.1, NM_001408423.1 and 1 more transcripts); and 71 more.
Identifiers: ClinVar variation 868953 (VCV000868953.11), dbSNP rs2052169752, ClinGen allele CA500146342.